The following is an entry in ClinVar:

ClinVar aggregate classification (germline): Benign. Review status: criteria provided, multiple submitters, no conflicts (2 of 4 stars). 2 submissions from 2 submitters: Benign (2). Last evaluated 2026-01-11.

Allele frequency attached by ClinVar (database versions not stated): ExAC 0.00304; 1000 Genomes Project 0.00839; 1000 Genomes Project 30x 0.00921; ESP Exome Variant Server 0.00938; gnomAD 0.00950 and 0.01041; TOPMed 0.01172; gnomAD exomes 0.00084 and 0.00241.
gnomAD v4.1: 2,724 of 1,609,588 alleles (0.17%); highest among the groups gnomAD compares: African/African-American, 2.9%; 52 homozygotes.

Submissions (2):

Labcorp Genetics (formerly Invitae), Labcorp
Classification: Benign. Last evaluated: 2026-01-11. Review status: criteria provided, single submitter. Criteria: Invitae Variant Classification Sherloc (09022015). Collection method: clinical testing. Allele origin: germline.

GeneDx
Classification: Benign. Last evaluated: 2016-04-21. Review status: criteria provided, single submitter. Criteria: GeneDx Variant Classification (06012015). Collection method: clinical testing. Allele origin: germline. Affected: yes.
Comment: This variant is considered likely benign or benign based on one or more of the following criteria: it is a conservative change, it occurs at a poorly conserved position in the protein, it is predicted to be benign by multiple in silico algorithms, and/or has population frequency not consistent with disease.

NM_032340.4(UQCC2):c.123G>A (p.Glu41=)

Gene: UQCC2 (ubiquinol-cytochrome c reductase complex assembly factor 2; minus strand). Cytogenetic location: 6p21.31.
Variant type: single nucleotide variant.
Coding change: c.123G>A on transcript NM_032340.4 (MANE Select); coding-DNA position 123, G replaced by A.
Protein change: p.Glu41=; no amino-acid change (glutamic acid 41 retained).
Molecular consequence: synonymous variant.
Genome position (GRCh38, 1-based): chr6:33,711,564, C>T on the plus strand (G>A on the coding strand, the complement: UQCC2 is on the minus strand). VCF-style: chr6-33711564-C-T. GRCh37 (hg19) VCF-style: chr6-33679341-C-T.
Identifiers: ClinVar variation 382977 (VCV000382977.11), dbSNP rs10025, ClinGen allele CA3762541.